The following is an entry in ClinVar:

NM_000014.6(A2M):c.53T>G (p.Leu18Arg)

Genes: A2M (alpha-2-macroglobulin; minus strand), KLRG1 (killer cell lectin like receptor G1; plus strand). Cytogenetic location: 12p13.31.
Variant type: single nucleotide variant.
Coding change: c.53T>G on transcript NM_000014.6 (MANE Select); coding-DNA position 53, T replaced by G.
Protein change: p.Leu18Arg; replaces leucine 18 with arginine.
Molecular consequence: missense variant. On other transcripts: 5 prime UTR variant (2).
Genome position (GRCh38, 1-based): chr12:9,115,797, A>C on the plus strand (T>G on the coding strand, the complement: A2M is on the minus strand). VCF-style: chr12-9115797-A-C. GRCh37 (hg19) VCF-style: chr12-9268393-A-C.
Other names: c.53T>G, p.Leu18Arg (NM_001347423.2); c.-401T>G (NM_001347424.2); c.-238T>G (NM_001347425.2); short protein forms L18R.
Identifiers: ClinVar variation 3041387 (VCV003041387.2), dbSNP rs201671036, ClinGen allele CA6439083.

ClinVar aggregate classification (germline): Likely benign (0 of 4 stars; one submission).

Conditions:
A2M-related disorder. Also called: A2M-related condition.

Allele frequency attached by ClinVar (database versions not stated): 1000 Genomes Project 30x 0.00016; 1000 Genomes Project 0.00020; ExAC 0.00157; gnomAD 0.00175; ESP Exome Variant Server 0.00214; TOPMed 0.00217; gnomAD exomes 0.00273.
gnomAD v4.1: 4,212 of 1,613,492 alleles (0.26%); highest among the groups gnomAD compares: Non-Finnish European, 0.33%; 9 homozygotes.

Submission:

PreventionGenetics, part of Exact Sciences
Classification: Likely benign for A2M-related condition. Last evaluated: 2019-06-17. Review status: no assertion criteria provided. Collection method: clinical testing. Allele origin: germline.
Comment: This variant is classified as likely benign based on ACMG/AMP sequence variant interpretation guidelines (Richards et al. 2015 PMID: 25741868, with internal and published modifications).